The following is an entry in ClinVar:

Conditions:
Breast-ovarian cancer, familial, susceptibility to, 1 (BROVCA1). Also called: BRCA1 Hereditary Breast and Ovarian Cancer; OVARIAN CANCER, SUSCEPTIBILITY TO. Identifiers: Orphanet 145, MedGen C2676676, MONDO:0011450, OMIM 604370. Disease mechanism: loss of function.

Submission:

Brotman Baty Institute, University of Washington
No classification provided (evidence only). Condition: Breast-ovarian cancer, familial 1. Review status: no classification provided. Collection method: in vitro. Allele origin: not applicable. Functional consequence: functionally_normal.
ClinVar note: "not provided" was previously submitted as the classification for the variant. However, the classification appeared to be based only on an observation of functional data so it was converted to no classification on 2025-07-30.

NM_007294.4(BRCA1):c.5332+21C>A

Gene: BRCA1 (BRCA1 DNA repair associated; minus strand). Cytogenetic location: 17q21.31.
Variant type: single nucleotide variant.
Coding change: c.5332+21C>A on transcript NM_007294.4 (MANE Select); 21 bases into the intron after coding-DNA position 5332, C replaced by A.
Molecular consequence: intron variant.
Genome position (GRCh38, 1-based): chr17:43,051,042, G>T on the plus strand (C>A on the coding strand, the complement: BRCA1 is on the minus strand). VCF-style: chr17-43051042-G-T. GRCh37 (hg19) VCF-style: chr17-41203059-G-T.
Other names: c.1879+21C>A (NM_001408458.1, NM_001408461.1, NM_001408464.1 and 7 more transcripts); c.4441+21C>A (NM_001407967.1); c.4951+21C>A (NM_001407959.1); c.5065+21C>A (NM_001407931.1, NM_001407932.1, NM_001407928.1 and 4 more transcripts); c.5188+21C>A (NM_001407747.1, NM_001407745.1, NM_001407737.1 and 21 more transcripts); c.4948+21C>A (NM_001407962.1, NM_001407960.1); c.1519+21C>A (NM_001408512.1); c.1642+21C>A (NM_001408510.1); and 74 more.
Identifiers: ClinVar variation 868008 (VCV000868008.3), dbSNP rs1187854390, ClinGen allele CA916080955.